The following is an entry in ClinVar:

NM_001375380.1(EBF3):c.486-10T>G

Gene: EBF3 (EBF transcription factor 3; minus strand). Cytogenetic location: 10q26.3.
Variant type: single nucleotide variant.
Coding change: c.486-10T>G on transcript NM_001375380.1 (MANE Select); 10 bases into the intron before coding-DNA position 486, T replaced by G.
Molecular consequence: intron variant.
Genome position (GRCh38, 1-based): chr10:129,957,336, A>C on the plus strand (T>G on the coding strand, the complement: EBF3 is on the minus strand). VCF-style: chr10-129957336-A-C. GRCh37 (hg19) VCF-style: chr10-131755600-A-C.
Other names: c.486-10T>G (NM_001375392.1, NM_001005463.3, NM_001375390.1 and 3 more transcripts).
Identifiers: ClinVar variation 1299694 (VCV001299694.1), dbSNP rs2134611078, ClinGen allele CA2499220194.

ClinVar aggregate classification (germline): Uncertain significance (1 of 4 stars; one submission).

Conditions:
Hypotonia, ataxia, and delayed development syndrome (HADDS). Also called: EBF3 Neurodevelopmental Disorder. Identifiers: Orphanet 658843, MedGen C4310618, MONDO:0015021, OMIM 617330.

Submission:

Breda Genetics srl
Classification: Uncertain significance for Hypotonia, ataxia, and delayed development syndrome. Last evaluated: 2020-09-22. Review status: criteria provided, single submitter. Criteria: ACMG Guidelines, 2015. Collection method: clinical testing. Allele origin: germline. Inheritance: Autosomal dominant inheritance. Affected: yes. Observed: 1 variant allele, 1 heterozygote.
Comment: Based on allele frequency, in-silico prediction scores and a certain overlap with the clinical phenotype, we interpreted this variant at least as of uncertain significance. The lack of one or more of the following features has discouraged further investigations: lack of a possible second hit in autosomal recessive conditions, presence of healthy controls in databases for autosomal dominant conditions, presence of unmatching cardinal clinical features in the patient or in the known gene-disease association, and/or variant type outside the known gene mutational spectrum.